The following is an entry in ClinVar:

NM_000093.5(COL5A1):c.1508G>A (p.Arg503His)

Gene: COL5A1 (collagen type V alpha 1 chain; plus strand). Cytogenetic location: 9q34.3.
Variant type: single nucleotide variant.
Coding change: c.1508G>A on transcript NM_000093.5 (MANE Select); coding-DNA position 1508, G replaced by A.
Protein change: p.Arg503His; replaces arginine 503 with histidine.
Molecular consequence: missense variant.
Genome position (GRCh38, 1-based): chr9:134,750,555, G>A. VCF-style: chr9-134750555-G-A. GRCh37 (hg19) VCF-style: chr9-137642401-G-A.
Other names: c.1508G>A, p.Arg503His (NM_001278074.1); c.1508G>A (NM_000093.3); short protein forms R503H.
Identifiers: ClinVar variation 665922 (VCV000665922.13), dbSNP rs146716315, ClinGen allele CA5318841.

ClinVar aggregate classification (germline): Conflicting classifications of pathogenicity. Review status: criteria provided, conflicting classifications (1 of 4 stars). 2 submissions from 2 submitters: Uncertain significance (1); Likely benign (1). Last evaluated 2025-10-02.

Conditions:
Ehlers-Danlos syndrome, classic type, 1 (EDSCL1). Also called: EDS I; EHLERS-DANLOS SYNDROME, GRAVIS TYPE; EHLERS-DANLOS SYNDROME, SEVERE CLASSIC TYPE; Ehlers-Danlos Syndrome, Classic Type, COL5A1-Related; Ehlers-Danlos syndrome, type 1. Identifiers: MedGen C0268335, MONDO:0019567, OMIM 130000.
Familial thoracic aortic aneurysm and aortic dissection (TAAD). Also called: Thoracic aortic aneurysms and dissections. Identifiers: Orphanet 91387, MedGen C4707243, MONDO:0019625.

Allele frequency attached by ClinVar (database versions not stated): ExAC 0.00002; gnomAD exomes 0.00002 and 0.00001.
gnomAD v4.1: 19 of 1,613,584 alleles (0.0012%); highest among the groups gnomAD compares: Middle Eastern, 0.017%; no homozygotes.

Submissions (2):

Labcorp Genetics (formerly Invitae), Labcorp
Classification: Likely benign for Ehlers-Danlos syndrome, classic type, 1. Last evaluated: 2025-10-02. Review status: criteria provided, single submitter. Criteria: Invitae Variant Classification Sherloc (09022015). Collection method: clinical testing. Allele origin: germline.

Ambry Genetics
Classification: Uncertain significance for Familial thoracic aortic aneurysm and aortic dissection. Last evaluated: 2024-07-22. Review status: criteria provided, single submitter. Criteria: Ambry Variant Classification Scheme 2023. Collection method: clinical testing. Allele origin: germline.
Comment: The p.R503H variant (also known as c.1508G>A), located in coding exon 12 of the COL5A1 gene, results from a G to A substitution at nucleotide position 1508. The arginine at codon 503 is replaced by histidine, an amino acid with highly similar properties. This amino acid position is highly conserved in available vertebrate species. In addition, the in silico prediction for this alteration is inconclusive. Based on the available evidence, the clinical significance of this variant remains unclear.